The following is an entry in ClinVar:

NM_001123385.2(BCOR):c.166-55G>A

Gene: BCOR (BCL6 corepressor; minus strand). Cytogenetic location: Xp11.4.
Variant type: single nucleotide variant.
Coding change: c.166-55G>A on transcript NM_001123385.2 (MANE Select); 55 bases into the intron before coding-DNA position 166, G replaced by A.
Molecular consequence: intron variant.
Genome position (GRCh38, 1-based): chrX:40,075,235, C>T on the plus strand (G>A on the coding strand, the complement: BCOR is on the minus strand). VCF-style: chrX-40075235-C-T. GRCh37 (hg19) VCF-style: chrX-39934488-C-T.
Other names: c.166-55G>A (NM_001123384.2, NM_001438207.1, NM_001123383.2 and 4 more transcripts).
Identifiers: ClinVar variation 677161 (VCV000677161.2), dbSNP rs6610384, ClinGen allele CA15027785.

ClinVar aggregate classification (germline): Benign. Review status: criteria provided, multiple submitters, no conflicts (2 of 4 stars). 2 submissions from 2 submitters: Benign (2). Last evaluated 2018-06-19.

Allele frequency attached by ClinVar (database versions not stated): gnomAD 0.22165 and 0.22166; TOPMed 0.25296; 1000 Genomes Project 30x 0.37253; 1000 Genomes Project 0.38464.
gnomAD v4.1: 131,476 of 1,055,080 alleles (12%); highest among the groups gnomAD compares: East Asian, 65%; 13,473 homozygotes.

Submissions (2):

GeneDx
Classification: Benign. Last evaluated: 2018-06-19. Review status: criteria provided, single submitter. Criteria: GeneDx Variant Classification (06012015). Collection method: clinical testing. Allele origin: germline. Affected: yes.
Comment: This variant is considered likely benign or benign based on one or more of the following criteria: it is a conservative change, it occurs at a poorly conserved position in the protein, it is predicted to be benign by multiple in silico algorithms, and/or has population frequency not consistent with disease.

Breakthrough Genomics
Classification: Benign. Review status: criteria provided, single submitter. Criteria: ACMG Guidelines, 2015. Collection method: not provided. Allele origin: germline. Inheritance: X-linked inheritance. Affected: yes.